The following is an entry in ClinVar:

ClinVar aggregate classification (germline): Uncertain significance (1 of 4 stars; one submission).

gnomAD v4.1: 1 of 1,210,027 alleles (0.000083%); no homozygotes.

Submission:

GeneDx
Classification: Uncertain significance. Last evaluated: 2025-08-07. Review status: criteria provided, single submitter. Criteria: GeneDx Variant Classification Process June 2021. Collection method: clinical testing. Allele origin: germline. Affected: yes.
Comment: Not observed at significant frequency in large population cohorts (gnomAD); In silico analysis suggests that this missense variant does not alter protein structure/function; Has not been previously published as pathogenic or benign to our knowledge

NM_031407.7(HUWE1):c.10685G>T (p.Gly3562Val)

Gene: HUWE1 (HECT, UBA and WWE domain containing E3 ubiquitin protein ligase 1; minus strand). Cytogenetic location: Xp11.22.
Variant type: single nucleotide variant.
Coding change: c.10685G>T on transcript NM_031407.7 (MANE Select); coding-DNA position 10685, G replaced by T.
Protein change: p.Gly3562Val; replaces glycine 3562 with valine.
Molecular consequence: missense variant.
Genome position (GRCh38, 1-based): chrX:53,546,777, C>A on the plus strand (G>T on the coding strand, the complement: HUWE1 is on the minus strand). VCF-style: chrX-53546777-C-A. GRCh37 (hg19) VCF-style: chrX-53573738-C-A.
Other names: c.10682G>T, p.Gly3561Val (NM_001441058.1, NM_001441048.1, NM_001441051.1 and 2 more transcripts); c.10685G>T, p.Gly3562Val (NM_001441049.1, NM_001441054.1, NM_001441057.1); c.10706G>T, p.Gly3569Val (NM_001441050.1, NM_001441055.1); c.10283G>T, p.Gly3428Val (NM_001441052.1); short protein forms G3428V, G3561V, G3562V, G3569V.
Identifiers: ClinVar variation 4755619 (VCV004755619.1).